The following is an entry in ClinVar:

NM_001276345.2(TNNT2):c.412-200G>C

Gene: TNNT2 (troponin T2, cardiac type; minus strand). Cytogenetic location: 1q32.1.
Variant type: single nucleotide variant.
Coding change: c.412-200G>C on transcript NM_001276345.2 (MANE Select); 200 bases into the intron before coding-DNA position 412, G replaced by C.
Molecular consequence: intron variant.
Genome position (GRCh38, 1-based): chr1:201,364,575, C>G on the plus strand (G>C on the coding strand, the complement: TNNT2 is on the minus strand). VCF-style: chr1-201364575-C-G. GRCh37 (hg19) VCF-style: chr1-201333703-C-G.
Other names: c.367-200G>C (NM_001001432.3); c.382-200G>C (NM_001001431.3, NM_001001430.3, NM_001276347.2); c.292-200G>C (NM_001276346.2); c.412-200G>C (NM_000364.4).
Identifiers: ClinVar variation 1805008 (VCV001805008.1), dbSNP rs2275860, ClinGen allele CA1139771278.

ClinVar aggregate classification (germline): Uncertain significance (1 of 4 stars; one submission).

Conditions:
Dilated cardiomyopathy 1D. Identifiers: Orphanet 154, Orphanet 54260, MedGen C1832243, MONDO:0011095, OMIM 601494.

Submission:

Victorian Clinical Genetics Services, Murdoch Childrens Research Institute
Classification: Uncertain significance for Dilated cardiomyopathy 1D. Last evaluated: 2021-05-06. Review status: criteria provided, single submitter. Criteria: ACMG Guidelines, 2015. Collection method: clinical testing. Allele origin: germline. Inheritance: Autosomal dominant inheritance. Affected: yes.
Comment: Based on the classification scheme VCGS_Germline_v1.3.4, this variant is classified as VUS-3C. Following criteria are met: 0105 - The mechanism of disease for this gene is not clearly established. Functional studies have suggested loss-of-function, gain-of-function and dominant-negative mechanisms based on calcium sensitivity, contractibility and mouse models (PMID: 18612386, 32098556, 33025817, ClinGen). (I) 0107 - This gene is associated with autosomal dominant disease. (I) 0115 - Variants in this gene are known to have variable expressivity. Variants in this gene have been reported to cause both hypertrophic cardiomyopathy and dilated cardiomyopathy within a single family (PMID: 26507537). (I) 0212 - Non-canonical splice site variant without proven consequence on splicing (no functional evidence available). (SP) 0251 - This variant is heterozygous. (I) 0301 - Variant is absent from gnomAD (both v2 and v3). (SP) 0311 - An alternative nucleotide change at the same position, is present in gnomAD (v3) (11169 heterozygotes, 516 homozygotes). (I) 0506 - Abnormal splicing predictions are inconclusive and this nucleotide is poorly conserved. (I) 0709 - Another intronic variant comparable to the one identified in this case has strong previous evidence for being benign. This variant (c.412-200G>A) has been reported as benign (ClinVar). (SB) 0807 - This variant has no previous evidence of pathogenicity. (I) 0905 - No published segregation evidence has been identified for this variant. (I) 1007 - No published functional evidence has been identified for this variant. (I) 1208 - Inheritance information for this variant is not currently available in this individual. (I) Legend: (SP) - Supporting pathogenic, (I) - Information, (SB) - Supporting benign

Literature cited by the submitters: PubMed 18612386; PubMed 26507537; PubMed 32098556; PubMed 33025817.